The following is an entry in ClinVar:

ClinVar aggregate classification (germline): Uncertain significance. Review status: criteria provided, multiple submitters, no conflicts (2 of 4 stars). 2 submissions from 2 submitters: Uncertain significance (2). Last evaluated 2025-06-06.

Conditions:
Hypertrophic cardiomyopathy 14. Identifiers: MedGen C2750467, MONDO:0013197, OMIM 613251.

Submissions (2):

Labcorp Genetics (formerly Invitae), Labcorp
Classification: Uncertain significance for Hypertrophic cardiomyopathy 14. Last evaluated: 2025-06-06. Review status: criteria provided, single submitter. Criteria: Invitae Variant Classification Sherloc (09022015). Collection method: clinical testing. Allele origin: germline.
Comment: This sequence change creates a premature translational stop signal (p.Ser1465Thrfs*4) in the MYH6 gene. It is expected to result in an absent or disrupted protein product. However, the current clinical and genetic evidence is not sufficient to establish whether loss-of-function variants in MYH6 cause disease. This variant is not present in population databases (gnomAD no frequency). This variant has not been reported in the literature in individuals affected with MYH6-related conditions. Experimental studies and prediction algorithms are not available or were not evaluated, and the functional significance of this variant is currently unknown. In summary, the available evidence is currently insufficient to determine the role of this variant in disease. Therefore, it has been classified as a Variant of Uncertain Significance.

Blueprint Genetics
Classification: Uncertain significance. Last evaluated: 2024-01-04. Review status: criteria provided, single submitter. Criteria: ACMG Guidelines, 2015. Collection method: clinical testing. Allele origin: germline.

NM_002471.4(MYH6):c.4393delinsACCTGCCCGTGAAGAGGCGGGCATGACACAGCAAGACGAGAAGACCCTATGGAGCTTTAATTTATTAATGCAAACAGTACCTAACAAACAGA (p.Ser1465delinsThrCysProTer)

Gene: MYH6 (myosin heavy chain 6; minus strand). Cytogenetic location: 14q11.2.
Variant type: Indel.
Coding change: c.4393delinsACCTGCCCGTGAAGAGGCGGGCATGACACAGCAAGACGAGAAGACCCTATGGAGCTTTAATTTATTAATGCAAACAGTACCTAACAAACAGA on transcript NM_002471.4 (MANE Select); coding-DNA position 4393, the reference bases replaced by an inserted sequence.
Protein change: p.Ser1465delinsThrCysProTer.
Molecular consequence: nonsense.
Genome position (GRCh38, 1-based): chr14:23,387,890, one base replaced. GRCh37 (hg19), VCF-style position (the base before the change): chr14:23,857,099.
Identifiers: ClinVar variation 3653481 (VCV003653481.3).